The following is an entry in ClinVar:

NM_173849.3(GSC):c.547A>C (p.Lys183Gln)

Gene: GSC (goosecoid homeobox; minus strand). Cytogenetic location: 14q32.13.
Variant type: single nucleotide variant.
Coding change: c.547A>C on transcript NM_173849.3 (MANE Select); coding-DNA position 547, A replaced by C.
Protein change: p.Lys183Gln; replaces lysine 183 with glutamine.
Molecular consequence: missense variant.
Genome position (GRCh38, 1-based): chr14:94,769,026, T>G on the plus strand (A>C on the coding strand, the complement: GSC is on the minus strand). VCF-style: chr14-94769026-T-G. GRCh37 (hg19) VCF-style: chr14-95235363-T-G.
Other names: c.547A>C (NM_173849.2); short protein forms K183Q.
Identifiers: ClinVar variation 1483121 (VCV001483121.7), dbSNP rs2139703127, ClinGen allele CA391148235.

ClinVar aggregate classification (germline): Uncertain significance. Review status: criteria provided, multiple submitters, no conflicts (2 of 4 stars). 2 submissions from 2 submitters: Uncertain significance (2). Last evaluated 2025-08-03.

Submissions (2):

Ambry Genetics
Classification: Uncertain significance. Last evaluated: 2025-08-03. Review status: criteria provided, single submitter. Criteria: Ambry Variant Classification Scheme 2023. Collection method: clinical testing. Allele origin: germline.

Labcorp Genetics (formerly Invitae), Labcorp
Classification: Uncertain significance. Last evaluated: 2022-08-16. Review status: criteria provided, single submitter. Criteria: Invitae Variant Classification Sherloc (09022015). Collection method: clinical testing. Allele origin: germline.
Comment: This variant is not present in population databases (gnomAD no frequency). This variant has not been reported in the literature in individuals affected with GSC-related conditions. ClinVar contains an entry for this variant (Variation ID: 1483121). Algorithms developed to predict the effect of missense changes on protein structure and function (SIFT, PolyPhen-2, Align-GVGD) all suggest that this variant is likely to be disruptive. In summary, the available evidence is currently insufficient to determine the role of this variant in disease. Therefore, it has been classified as a Variant of Uncertain Significance. This sequence change replaces lysine, which is basic and polar, with glutamine, which is neutral and polar, at codon 183 of the GSC protein (p.Lys183Gln).